The following is an entry in ClinVar:

ClinVar aggregate classification (germline): Uncertain significance (1 of 4 stars; one submission).

gnomAD v4.1: 1 of 1,614,122 alleles (0.000062%); highest among the groups gnomAD compares: Non-Finnish European, 0.000085%; no homozygotes.

Submission:

Labcorp Genetics (formerly Invitae), Labcorp
Classification: Uncertain significance. Last evaluated: 2025-04-29. Review status: criteria provided, single submitter. Criteria: Invitae Variant Classification Sherloc (09022015). Collection method: clinical testing. Allele origin: germline.
Comment: This sequence change replaces serine, which is neutral and polar, with leucine, which is neutral and non-polar, at codon 1348 of the DUOX2 protein (p.Ser1348Leu). This variant is not present in population databases (gnomAD no frequency). This variant has not been reported in the literature in individuals affected with DUOX2-related conditions. Invitae Evidence Modeling of protein sequence and biophysical properties (such as structural, functional, and spatial information, amino acid conservation, physicochemical variation, residue mobility, and thermodynamic stability) indicates that this missense variant is expected to disrupt DUOX2 protein function with a positive predictive value of 80%. In summary, the available evidence is currently insufficient to determine the role of this variant in disease. Therefore, it has been classified as a Variant of Uncertain Significance.

NM_001363711.2(DUOX2):c.4043C>T (p.Ser1348Leu)

Gene: DUOX2 (dual oxidase 2; minus strand). Cytogenetic location: 15q21.1.
Variant type: single nucleotide variant.
Coding change: c.4043C>T on transcript NM_001363711.2 (MANE Select); coding-DNA position 4043, C replaced by T.
Protein change: p.Ser1348Leu; replaces serine 1348 with leucine.
Molecular consequence: missense variant.
Genome position (GRCh38, 1-based): chr15:45,095,865, G>A on the plus strand (C>T on the coding strand, the complement: DUOX2 is on the minus strand). VCF-style: chr15-45095865-G-A. GRCh37 (hg19) VCF-style: chr15-45388063-G-A.
Other names: c.4043C>T, p.Ser1348Leu (NM_014080.5); short protein forms S1348L.
Identifiers: ClinVar variation 4808555 (VCV004808555.1).
Genomic context (GRCh38, chr15:45,095,865, plus strand): 5'-GCAGGGTTCCCAGTGACGGGCACCTTTGGGTATCCAGCACAGCCATTGCCCTTTGGGGAT[G>A]AGTAGATCTCCCTGAGGCGAGTGGTCCAGGGCCCCACTGCCCGGATGTGCAGGCTGAGTG-3'
Protein context (NP_001350640.1, residues 1338-1358): PWTTRLREIY[Ser1348Leu]SPKGNGCAGY